The following is an entry in ClinVar:

ClinVar aggregate classification (germline): Uncertain significance. Review status: criteria provided, multiple submitters, no conflicts (2 of 4 stars). 2 submissions from 2 submitters: Uncertain significance (2). Last evaluated 2024-11-28.

Conditions:
Inborn genetic diseases. Identifiers: MedGen C0950123, MeSH D030342.
Rothmund-Thomson syndrome type 2 (RTS2). Identifiers: Orphanet 221016, MedGen C5203410, MONDO:0016369, OMIM 268400.
Rapadilino syndrome. Identifiers: Orphanet 3021, MedGen C1849453, MONDO:0009955, OMIM 266280.
Baller-Gerold syndrome (BGS). Also called: CRANIOSYNOSTOSIS WITH RADIAL DEFECTS. Identifiers: Orphanet 1225, MedGen C0265308, MONDO:0009039, OMIM 218600.

Submissions (2):

Ambry Genetics
Classification: Uncertain significance for Inborn genetic diseases. Last evaluated: 2024-11-28. Review status: criteria provided, single submitter. Criteria: Ambry Variant Classification Scheme 2023. Collection method: clinical testing. Allele origin: germline.
Comment: The p.G1086A variant (also known as c.3257G>C), located in coding exon 19 of the RECQL4 gene, results from a G to C substitution at nucleotide position 3257. The glycine at codon 1086 is replaced by alanine, an amino acid with similar properties. This amino acid position is conserved. In addition, the in silico prediction for this alteration is inconclusive. Based on the available evidence, the clinical significance of this variant remains unclear.

Department of Pathology and Laboratory Medicine, Sinai Health System
Classification: Uncertain significance for Baller-Gerold syndrome; Rapadilino syndrome; Rothmund-Thomson syndrome type 2. Last evaluated: 2021-07-30. Review status: criteria provided, single submitter. Criteria: ACMG Guidelines, 2015. Collection method: research. Allele origin: germline.

NM_004260.4(RECQL4):c.3257G>C (p.Gly1086Ala)

Gene: RECQL4 (RecQ like helicase 4; minus strand). Cytogenetic location: 8q24.3.
Variant type: single nucleotide variant.
Coding change: c.3257G>C on transcript NM_004260.4 (MANE Select); coding-DNA position 3257, G replaced by C.
Protein change: p.Gly1086Ala; replaces glycine 1086 with alanine.
Molecular consequence: missense variant. On other transcripts: non-coding transcript variant (3).
Genome position (GRCh38, 1-based): chr8:144,512,047, C>G on the plus strand (G>C on the coding strand, the complement: RECQL4 is on the minus strand). VCF-style: chr8-144512047-C-G. GRCh37 (hg19) VCF-style: chr8-145737430-C-G.
Other names: c.2963G>C, p.Gly988Ala (NM_001413017.1); c.3059G>C, p.Gly1020Ala (NM_001413018.1); c.3332G>C, p.Gly1111Ala (NM_001413019.1); c.3161G>C, p.Gly1054Ala (NM_001413020.1); c.2186G>C, p.Gly729Ala (NM_001413021.1, NM_001413022.1, NM_001413024.1 and 4 more transcripts); c.2261G>C, p.Gly754Ala (NM_001413023.1); c.3128G>C, p.Gly1043Ala (NM_001413025.1); c.2120G>C, p.Gly707Ala (NM_001413027.1, NM_001413030.1, NM_001413032.1); and 9 more; short protein forms G685A, G707A, G729A, G1111A, G754A, G1020A, G1042A, G1043A.
Identifiers: ClinVar variation 3431896 (VCV003431896.2).